The following is an entry in ClinVar:

ClinVar aggregate classification (germline): Likely benign. Review status: criteria provided, multiple submitters, no conflicts (2 of 4 stars). 3 submissions from 3 submitters: Likely benign (2). 1 of the submissions does not count toward it. Last evaluated 2025-12-24.

Conditions:
LEMD2-related disorder. Also called: LEMD2-related condition.

Allele frequency attached by ClinVar (database versions not stated): gnomAD exomes 0.00046 and 0.00094; ExAC 0.00114; TOPMed 0.00258; gnomAD 0.00268 and 0.00282; 1000 Genomes Project 0.00399; 1000 Genomes Project 30x 0.00453.
gnomAD v4.1: 1,051 of 1,589,590 alleles (0.066%); highest among the groups gnomAD compares: African/African-American, 0.95%; 3 homozygotes.

Submissions (3):

Labcorp Genetics (formerly Invitae), Labcorp
Classification: Likely benign. Last evaluated: 2025-12-24. Review status: criteria provided, single submitter. Criteria: Invitae Variant Classification Sherloc (09022015). Collection method: clinical testing. Allele origin: germline.

Blueprint Genetics
Classification: Likely benign. Last evaluated: 2024-10-04. Review status: criteria provided, single submitter. Criteria: ACMG Guidelines, 2015. Collection method: clinical testing. Allele origin: germline.

PreventionGenetics, part of Exact Sciences
Classification: Benign for LEMD2-related condition. Last evaluated: 2019-06-26. Review status: no assertion criteria provided. Collection method: clinical testing. Allele origin: germline. Not counted in ClinVar's aggregate classification.
Comment: This variant is classified as benign based on ACMG/AMP sequence variant interpretation guidelines (Richards et al. 2015 PMID: 25741868, with internal and published modifications).

NM_181336.4(LEMD2):c.854-3T>C

Gene: LEMD2 (LEM domain nuclear envelope protein 2; minus strand). Cytogenetic location: 6p21.31.
Variant type: single nucleotide variant.
Coding change: c.854-3T>C on transcript NM_181336.4 (MANE Select); 3 bases into the intron before coding-DNA position 854, T replaced by C.
Molecular consequence: intron variant.
Genome position (GRCh38, 1-based): chr6:33,781,156, A>G on the plus strand (T>C on the coding strand, the complement: LEMD2 is on the minus strand). VCF-style: chr6-33781156-A-G. GRCh37 (hg19) VCF-style: chr6-33748933-A-G.
Other names: c.455-3T>C (NM_001348710.2); c.-53-3T>C (NM_001348709.2, NM_001143944.1).
Identifiers: ClinVar variation 716351 (VCV000716351.9), dbSNP rs190194338, ClinGen allele CA3763200.